The following is an entry in ClinVar:

NM_004656.4(BAP1):c.350A>G (p.Asp117Gly)

Gene: BAP1 (BRCA1 associated deubiquitinase 1; minus strand). Cytogenetic location: 3p21.1.
Variant type: single nucleotide variant.
Coding change: c.350A>G on transcript NM_004656.4 (MANE Select); coding-DNA position 350, A replaced by G.
Protein change: p.Asp117Gly; replaces aspartic acid 117 with glycine.
Molecular consequence: missense variant.
Genome position (GRCh38, 1-based): chr3:52,407,983, T>C on the plus strand (A>G on the coding strand, the complement: BAP1 is on the minus strand). VCF-style: chr3-52407983-T-C. GRCh37 (hg19) VCF-style: chr3-52441999-T-C.
Other names: c.350A>G, p.Asp117Gly (NM_001410772.1); short protein forms D117G.
Identifiers: ClinVar variation 4620751 (VCV004620751.1).

ClinVar aggregate classification (germline): Uncertain significance (1 of 4 stars; one submission).

Conditions:
Hereditary cancer-predisposing syndrome. Also called: Neoplastic Syndromes, Hereditary; Tumor predisposition; Hereditary Cancer Syndrome; Hereditary neoplastic syndrome. Identifiers: Orphanet 140162, MedGen C0027672, MeSH D009386, MONDO:0015356.

Submission:

Ambry Genetics
Classification: Uncertain significance for Hereditary cancer-predisposing syndrome. Last evaluated: 2025-11-17. Review status: criteria provided, single submitter. Criteria: Ambry Variant Classification Scheme 2023. Collection method: clinical testing. Allele origin: germline.
Comment: The p.D117G variant (also known as c.350A>G), located in coding exon 5 of the BAP1 gene, results from an A to G substitution at nucleotide position 350. The aspartic acid at codon 117 is replaced by glycine, an amino acid with similar properties. This amino acid position is conserved. In addition, this alteration is predicted to be tolerated by in silico analysis. Based on the available evidence, the clinical significance of this variant remains unclear.